The following is an entry in ClinVar:

NM_020738.4(KIDINS220):c.3921C>T (p.Arg1307=)

Gene: KIDINS220 (kinase D interacting substrate 220; minus strand). Cytogenetic location: 2p25.1.
Variant type: single nucleotide variant.
Coding change: c.3921C>T on transcript NM_020738.4 (MANE Select); coding-DNA position 3921, C replaced by T.
Protein change: p.Arg1307=; no amino-acid change (arginine 1307 retained).
Molecular consequence: synonymous variant. On other transcripts: non-coding transcript variant (2).
Genome position (GRCh38, 1-based): chr2:8,733,576, G>A on the plus strand (C>T on the coding strand, the complement: KIDINS220 is on the minus strand). VCF-style: chr2-8733576-G-A. GRCh37 (hg19) VCF-style: chr2-8873706-G-A.
Other names: p.Arg1307=; c.3924C>T, p.Arg1308= (NM_001348729.2); c.3867C>T, p.Arg1289= (NM_001348731.2); c.3864C>T, p.Arg1288= (NM_001348732.2, NM_001348738.2); c.3753C>T, p.Arg1251= (NM_001348734.2, NM_001348739.2, NM_001348740.2); c.3750C>T, p.Arg1250= (NM_001348735.2, NM_001348741.2, NM_001348742.2 and 1 more transcripts); c.3624C>T, p.Arg1208= (NM_001348736.2).
Identifiers: ClinVar variation 777988 (VCV000777988.11), dbSNP rs76581861, ClinGen allele CA1519475.

ClinVar aggregate classification (germline): Benign. Review status: criteria provided, multiple submitters, no conflicts (2 of 4 stars). 3 submissions from 3 submitters: Benign (3). Last evaluated 2026-01-19.

Allele frequency attached by ClinVar (database versions not stated): gnomAD exomes 0.00095 and 0.00246; ExAC 0.00300; gnomAD 0.00987 and 0.01055; ESP Exome Variant Server 0.01051; 1000 Genomes Project 0.01098; TOPMed 0.01114; 1000 Genomes Project 30x 0.01218.
gnomAD v4.1: 2,955 of 1,614,066 alleles (0.18%); highest among the groups gnomAD compares: African/African-American, 3.5%; 54 homozygotes.

Submissions (3):

Labcorp Genetics (formerly Invitae), Labcorp
Classification: Benign. Last evaluated: 2026-01-19. Review status: criteria provided, single submitter. Criteria: Invitae Variant Classification Sherloc (09022015). Collection method: clinical testing. Allele origin: germline.

Mayo Clinic Laboratories, Mayo Clinic
Classification: Benign. Last evaluated: 2025-07-08. Review status: criteria provided, single submitter. Criteria: ACMG Guidelines, 2015. Collection method: clinical testing. Allele origin: germline. Observed: 1 variant allele.
Comment: BA1, BP4, BP7

Breakthrough Genomics
Classification: Benign. Review status: criteria provided, single submitter. Criteria: ACMG Guidelines, 2015. Collection method: not provided. Allele origin: germline. Inheritance: Autosomal recessive inheritance. Affected: yes.

Literature cited by the submitters: PubMed 39109120 (cited by Mayo Clinic Laboratories, Mayo Clinic).